The following is an entry in ClinVar:

NM_000214.3(JAG1):c.1165T>C (p.Cys389Arg)

Gene: JAG1 (jagged canonical Notch ligand 1; minus strand). Cytogenetic location: 20p12.2.
Variant type: single nucleotide variant.
Coding change: c.1165T>C on transcript NM_000214.3 (MANE Select); coding-DNA position 1165, T replaced by C.
Protein change: p.Cys389Arg; replaces cysteine 389 with arginine.
Molecular consequence: missense variant.
Genome position (GRCh38, 1-based): chr20:10,650,316, A>G on the plus strand (T>C on the coding strand, the complement: JAG1 is on the minus strand). VCF-style: chr20-10650316-A-G. GRCh37 (hg19) VCF-style: chr20-10630964-A-G.
Other names: short protein forms C389R.
Identifiers: ClinVar variation 3649013 (VCV003649013.2).

ClinVar aggregate classification (germline): Uncertain significance (1 of 4 stars; one submission).

Conditions:
Alagille syndrome due to a JAG1 point mutation. Also called: HEPATIC DUCTULAR HYPOPLASIA, SYNDROMATIC; JAG1-Related Alagille Syndrome; Alagille Syndrome 1. Identifiers: Orphanet 261619, Orphanet 52, MedGen C1956125, MONDO:0016862, OMIM 118450.

Submission:

Labcorp Genetics (formerly Invitae), Labcorp
Classification: Uncertain significance for Alagille syndrome due to a JAG1 point mutation. Last evaluated: 2024-04-06. Review status: criteria provided, single submitter. Criteria: Invitae Variant Classification Sherloc (09022015). Collection method: clinical testing. Allele origin: germline.
Comment: This sequence change replaces cysteine, which is neutral and slightly polar, with arginine, which is basic and polar, at codon 389 of the JAG1 protein (p.Cys389Arg). This variant is not present in population databases (gnomAD no frequency). This variant has not been reported in the literature in individuals affected with JAG1-related conditions. Advanced modeling of protein sequence and biophysical properties (such as structural, functional, and spatial information, amino acid conservation, physicochemical variation, residue mobility, and thermodynamic stability) performed at Invitae indicates that this missense variant is expected to disrupt JAG1 protein function with a positive predictive value of 95%. In summary, the available evidence is currently insufficient to determine the role of this variant in disease. Therefore, it has been classified as a Variant of Uncertain Significance.